The following is an entry in ClinVar:

NM_001243177.4(ALDOA):c.648C>T (p.Leu216=)

Genes: ALDOA (aldolase, fructose-bisphosphate A; plus strand), LOC112694756 (uncharaterized LOC112694756; plus strand). Cytogenetic location: 16p11.2.
Variant type: single nucleotide variant.
Coding change: c.648C>T on transcript NM_001243177.4 (MANE Select); coding-DNA position 648, C replaced by T.
Protein change: p.Leu216=; no amino-acid change (leucine 216 retained).
Molecular consequence: synonymous variant. On other transcripts: 3 prime UTR variant (3).
Genome position (GRCh38, 1-based): chr16:30,068,924, C>T. VCF-style: chr16-30068924-C-T. GRCh37 (hg19) VCF-style: chr16-30080245-C-T.
Other names: c.*995C>T (NM_001365304.2, NM_001365305.2, NM_001365307.2); c.486C>T, p.Leu162= (NM_001127617.2, NM_184041.5, NM_184043.2).
Identifiers: ClinVar variation 2646378 (VCV002646378.24), dbSNP rs112110009, ClinGen allele CA8001012.

ClinVar aggregate classification (germline): Likely benign (1 of 4 stars; one submission).

gnomAD v4.1: 20 of 1,614,104 alleles (0.0012%); highest among the groups gnomAD compares: South Asian, 0.0022%; no homozygotes.

Submission:

CeGaT Center for Human Genetics Tuebingen
Classification: Likely benign. Last evaluated: 2023-10-01. Review status: criteria provided, single submitter. Criteria: CeGaT Center For Human Genetics Tuebingen Variant Classification Criteria Version 2. Collection method: clinical testing. Allele origin: germline. Affected: yes. Observed: 1 variant allele.
Comment: ALDOA: BP4, BP7